The following is an entry in ClinVar:

ClinVar aggregate classification (germline): Uncertain significance. Review status: criteria provided, multiple submitters, no conflicts (2 of 4 stars). 2 submissions from 2 submitters: Uncertain significance (2). Last evaluated 2025-05-29.

Conditions:
Familial cancer of breast. Also called: hereditary breast carcinoma; BREAST CANCER, FAMILIAL; Hereditary breast cancer. Identifiers: Orphanet 227535, MedGen C0346153, MONDO:0016419, OMIM 114480. Disease mechanism: loss of function.
Fanconi anemia complementation group J. Also called: BRIP1-Related Fanconi Anemia. Identifiers: Orphanet 84, MedGen C1836860, MONDO:0012187, OMIM 609054.
Hereditary cancer-predisposing syndrome. Also called: Tumor predisposition; Hereditary neoplastic syndrome; Neoplastic Syndromes, Hereditary; Hereditary Cancer Syndrome. Identifiers: Orphanet 140162, MedGen C0027672, MeSH D009386, MONDO:0015356.

Submissions (2):

Ambry Genetics
Classification: Uncertain significance for Hereditary cancer-predisposing syndrome. Last evaluated: 2025-05-29. Review status: criteria provided, single submitter. Criteria: Ambry Variant Classification Scheme 2023. Collection method: clinical testing. Allele origin: germline.
Comment: The p.A521V variant (also known as c.1562C>T), located in coding exon 10 of the BRIP1 gene, results from a C to T substitution at nucleotide position 1562. The alanine at codon 521 is replaced by valine, an amino acid with similar properties. This amino acid position is conserved. In addition, this alteration is predicted to be tolerated by in silico analysis. Since supporting evidence is limited at this time, the clinical significance of this alteration remains unclear.

Labcorp Genetics (formerly Invitae), Labcorp
Classification: Uncertain significance for Familial cancer of breast; Fanconi anemia complementation group J. Last evaluated: 2023-11-05. Review status: criteria provided, single submitter. Criteria: Invitae Variant Classification Sherloc (09022015). Collection method: clinical testing. Allele origin: germline.
Comment: This sequence change replaces alanine, which is neutral and non-polar, with valine, which is neutral and non-polar, at codon 521 of the BRIP1 protein (p.Ala521Val). This variant is not present in population databases (gnomAD no frequency). This variant has not been reported in the literature in individuals affected with BRIP1-related conditions. ClinVar contains an entry for this variant (Variation ID: 938521). Advanced modeling of protein sequence and biophysical properties (such as structural, functional, and spatial information, amino acid conservation, physicochemical variation, residue mobility, and thermodynamic stability) performed at Invitae indicates that this missense variant is not expected to disrupt BRIP1 protein function with a negative predictive value of 80%. In summary, the available evidence is currently insufficient to determine the role of this variant in disease. Therefore, it has been classified as a Variant of Uncertain Significance.

NM_032043.3(BRIP1):c.1562C>T (p.Ala521Val)

Gene: BRIP1 (BRCA1 interacting DNA helicase 1; minus strand). Cytogenetic location: 17q23.2.
Variant type: single nucleotide variant.
Coding change: c.1562C>T on transcript NM_032043.3 (MANE Select); coding-DNA position 1562, C replaced by T.
Protein change: p.Ala521Val; replaces alanine 521 with valine.
Molecular consequence: missense variant.
Genome position (GRCh38, 1-based): chr17:61,784,336, G>A on the plus strand (C>T on the coding strand, the complement: BRIP1 is on the minus strand). VCF-style: chr17-61784336-G-A. GRCh37 (hg19) VCF-style: chr17-59861697-G-A.
Other names: short protein forms A521V.
Identifiers: ClinVar variation 938521 (VCV000938521.13), dbSNP rs2077669449, ClinGen allele CA400481146.
Genomic context (GRCh38, chr17:61,784,336, plus strand): 5'-TTTTGCCTAAAAAGATAGTCAAGTACCATAAAAAGTCCTTTAAGCATTATTTGAGTTGAT[G>A]CACTAATAACAGGTACTTCTCTTGCCTCCTCTTTACCATAAATTGGTGAGATTTTTTCCT-3'
Protein context (NP_114432.2, residues 511-531): EEAREVPVIS[Ala521Val]STQIMLKGLF